The following is an entry in ClinVar:

NM_031443.4(CCM2):c.445G>A (p.Ala149Thr)

Gene: CCM2 (CCM2 scaffold protein; plus strand). Cytogenetic location: 7p13.
Variant type: single nucleotide variant.
Coding change: c.445G>A on transcript NM_031443.4 (MANE Select); coding-DNA position 445, G replaced by A.
Protein change: p.Ala149Thr; replaces alanine 149 with threonine.
Molecular consequence: missense variant. On other transcripts: non-coding transcript variant (1).
Genome position (GRCh38, 1-based): chr7:45,064,619, G>A. VCF-style: chr7-45064619-G-A. GRCh37 (hg19) VCF-style: chr7-45104218-G-A.
Other names: c.508G>A, p.Ala170Thr (NM_001029835.2); c.271G>A, p.Ala91Thr (NM_001167934.2, NM_001363459.2); c.445G>A, p.Ala149Thr (NM_001167935.2, NM_001363458.2); short protein forms A149T, A170T, A91T.
Identifiers: ClinVar variation 4533865 (VCV004533865.6).
Genomic context (GRCh38, chr7:45,064,619, plus strand): 5'-GATATCATCCTCAGGGTGCCCATCCATGACATCGCCGCCGTCTCCTATGTTCGGGATGAC[G>A]CTGCACACCTGGTGGTCCTGAAGACAGGTACAGGAGGTCAGGGGTCAGGAGGGTCCTTGT-3'
Protein context (NP_113631.1, residues 139-159): IAAVSYVRDD[Ala149Thr]AHLVVLKTAQ

ClinVar aggregate classification (germline): Likely benign (1 of 4 stars; one submission).

gnomAD v4.1: 69 of 1,613,962 alleles (0.0043%); highest among the groups gnomAD compares: South Asian, 0.064%; no homozygotes.

Submission:

CeGaT Center for Human Genetics Tuebingen
Classification: Likely benign. Last evaluated: 2025-10-01. Review status: criteria provided, single submitter. Criteria: CeGaT Center For Human Genetics Tuebingen Variant Classification Criteria Version 2. Collection method: clinical testing. Allele origin: germline. Affected: yes. Observed: 1 variant allele.
Comment: CCM2: BP4, BS2